The following is an entry in ClinVar:

ClinVar aggregate classification (germline): Conflicting classifications of pathogenicity. Review status: criteria provided, conflicting classifications (1 of 4 stars). 7 submissions from 7 submitters: Uncertain significance (4); Likely benign (3). Last evaluated 2025-02-01.

Conditions:
CBS-related disorder. Also called: CBS-related condition.
HYPERHOMOCYSTEINEMIA, THROMBOTIC, CBS-RELATED. Identifiers: MedGen C3150344, OMIM 236200.
Familial thoracic aortic aneurysm and aortic dissection (TAAD). Also called: Thoracic aortic aneurysms and dissections. Identifiers: Orphanet 91387, MedGen C4707243, MONDO:0019625.
Classic homocystinuria. Also called: Homocystinuria due to Cystathionine Beta-Synthase Deficiency; Homocystinuria due to CBS deficiency; Cystathionine beta-synthase deficiency; CBS deficiency; HOMOCYSTINURIA WITH OR WITHOUT RESPONSE TO PYRIDOXINE. Identifiers: Orphanet 394, MedGen C0751202, MONDO:0009352, OMIM 236200.

Allele frequency attached by ClinVar (database versions not stated): ExAC 0.00012; gnomAD exomes 0.00012; TOPMed 0.00049; ESP Exome Variant Server 0.00062; gnomAD 0.00064.

Submissions (7):

PreventionGenetics, part of Exact Sciences
Classification: Likely benign for CBS-related condition. Last evaluated: 2025-02-01. Review status: criteria provided, single submitter. Criteria: ACMG Guidelines, 2015. Collection method: clinical testing. Allele origin: germline.
Comment: This variant is classified as likely benign based on ACMG/AMP sequence variant interpretation guidelines (Richards et al. 2015 PMID: 25741868, with internal and published modifications).

Mayo Clinic Laboratories, Mayo Clinic
Classification: Uncertain significance. Last evaluated: 2023-12-14. Review status: criteria provided, single submitter. Criteria: ACMG Guidelines, 2015. Collection method: clinical testing. Allele origin: germline. Observed: 1 variant allele.
Comment: BP4

Labcorp Genetics (formerly Invitae), Labcorp
Classification: Uncertain significance for HYPERHOMOCYSTEINEMIA, THROMBOTIC, CBS-RELATED. Last evaluated: 2022-08-19. Review status: criteria provided, single submitter. Criteria: Invitae Variant Classification Sherloc (09022015). Collection method: clinical testing. Allele origin: germline.
Comment: This sequence change replaces phenylalanine, which is neutral and non-polar, with tyrosine, which is neutral and polar, at codon 99 of the CBS protein (p.Phe99Tyr). This variant is present in population databases (rs112029370, gnomAD 0.2%). This variant has not been reported in the literature in individuals affected with CBS-related conditions. ClinVar contains an entry for this variant (Variation ID: 405376). Algorithms developed to predict the effect of missense changes on protein structure and function (SIFT, PolyPhen-2, Align-GVGD) all suggest that this variant is likely to be tolerated. In summary, the available evidence is currently insufficient to determine the role of this variant in disease. Therefore, it has been classified as a Variant of Uncertain Significance.

Ambry Genetics
Classification: Likely benign for Familial thoracic aortic aneurysm and aortic dissection. Last evaluated: 2021-09-20. Review status: criteria provided, single submitter. Criteria: Ambry Variant Classification Scheme 2023. Collection method: clinical testing. Allele origin: germline.

Genome-Nilou Lab
Classification: Uncertain significance for Classic homocystinuria. Last evaluated: 2021-07-14. Review status: criteria provided, single submitter. Criteria: ACMG Guidelines, 2015. Collection method: clinical testing. Allele origin: germline. Affected: no.

GeneDx
Classification: Likely benign. Last evaluated: 2019-09-10. Review status: criteria provided, single submitter. Criteria: GeneDx Variant Classification Process June 2021. Collection method: clinical testing. Allele origin: germline. Affected: yes.

ARUP Laboratories, Molecular Genetics and Genomics, ARUP Laboratories
Classification: Uncertain significance. Last evaluated: 2016-08-16. Review status: criteria provided, single submitter. Criteria: ARUP Molecular Germline Variant Investigation Process. Collection method: clinical testing. Allele origin: germline.

NM_000071.3(CBS):c.296T>A (p.Phe99Tyr)

Gene: CBS (cystathionine beta-synthase; minus strand). Cytogenetic location: 21q22.3.
Variant type: single nucleotide variant.
Coding change: c.296T>A on transcript NM_000071.3 (MANE Select); coding-DNA position 296, T replaced by A.
Protein change: p.Phe99Tyr; replaces phenylalanine 99 with tyrosine.
Molecular consequence: missense variant.
Genome position (GRCh38, 1-based): chr21:43,068,529, A>T on the plus strand (T>A on the coding strand, the complement: CBS is on the minus strand). VCF-style: chr21-43068529-A-T. GRCh37 (hg19) VCF-style: chr21-44488639-A-T.
Other names: p.Phe99Tyr; c.296T>A, p.Phe99Tyr (NM_001178008.3, NM_001178009.3, NM_001320298.2); short protein forms F99Y.
Identifiers: ClinVar variation 405376 (VCV000405376.19), dbSNP rs112029370, ClinGen allele CA16616548.
Genomic context (GRCh38, chr21:43,068,529, plus strand): 5'-GTAGATGGAGGAAGCCCCTCTCCAAAGCCAGGGCACTCACAGAGCTCACACTTCAGGCCG[A>T]ACTTCTTCCCAATCTTGTTGATTCTGACCATAGGGGTGTCCCCGATTTTCTTCAGAATAT-3'
Protein context (NP_000062.1, residues 89-109): MVRINKIGKK[Phe99Tyr]GLKCELLAKC